The following is an entry in ClinVar:

NM_001130987.2(DYSF):c.4896G>T (p.Lys1632Asn)

Gene: DYSF (dysferlin; plus strand). Cytogenetic location: 2p13.2.
Variant type: single nucleotide variant.
Coding change: c.4896G>T on transcript NM_001130987.2 (MANE Select); coding-DNA position 4896, G replaced by T.
Protein change: p.Lys1632Asn; replaces lysine 1632 with asparagine.
Molecular consequence: missense variant.
Genome position (GRCh38, 1-based): chr2:71,659,018, G>T. VCF-style: chr2-71659018-G-T. GRCh37 (hg19) VCF-style: chr2-71886148-G-T.
Other names: c.4782G>T, p.Lys1594Asn (NM_001130455.2); c.4737G>T, p.Lys1579Asn (NM_001130976.2); c.4800G>T, p.Lys1600Asn (NM_001130977.2); c.4842G>T, p.Lys1614Asn (NM_001130978.2); c.4872G>T, p.Lys1624Asn (NM_001130979.2); c.4830G>T, p.Lys1610Asn (NM_001130980.2); c.4893G>T, p.Lys1631Asn (NM_001130981.2); c.4875G>T, p.Lys1625Asn (NM_001130982.2); and 5 more; short protein forms K1579N, K1580N, K1593N, K1594N, K1600N, K1601N, K1610N, K1611N.
Identifiers: ClinVar variation 1311127 (VCV001311127.4), dbSNP rs1453872151, ClinGen allele CA347219888.

ClinVar aggregate classification (germline): Uncertain significance. Review status: criteria provided, multiple submitters, no conflicts (2 of 4 stars). 3 submissions from 3 submitters: Uncertain significance (2). 1 of the submissions does not count toward it. Last evaluated 2021-06-15.

Conditions:
Autosomal recessive limb-girdle muscular dystrophy type 2B (LGMDR2). Also called: Limb-girdle muscular dystrophy, type 2B; MUSCULAR DYSTROPHY, LIMB-GIRDLE, AUTOSOMAL RECESSIVE 2; Limb-Girdle Muscular Dystrophy Type 2B (LGMD2B); MUSCULAR DYSTROPHY, LIMB-GIRDLE, TYPE 3. Identifiers: Orphanet 268, MedGen C1850889, MONDO:0009676, OMIM 253601.
Neuromuscular disease caused by qualitative or quantitative defects of dysferlin. Also called: Qualitative or quantitative defects of dysferlin; Dysferlinopathy. Identifiers: Orphanet 207073, MedGen C2931687, MONDO:0016145.

Allele frequency attached by ClinVar (database versions not stated): gnomAD exomes below 0.00001; gnomAD 0.00001 and 0.00002; TOPMed 0.00001.
gnomAD v4.1: 4 of 1,614,032 alleles (0.00025%); highest among the groups gnomAD compares: Non-Finnish European, 0.00034%; no homozygotes.

Submissions (3):

Labcorp Genetics (formerly Invitae), Labcorp
Classification: Uncertain significance for Neuromuscular disease caused by qualitative or quantitative defects of dysferlin. Last evaluated: 2021-06-15. Review status: criteria provided, single submitter. Criteria: Invitae Variant Classification Sherloc (09022015). Collection method: clinical testing. Allele origin: germline.
Comment: This sequence change replaces lysine with asparagine at codon 1593 of the DYSF protein (p.Lys1593Asn). The lysine residue is moderately conserved and there is a moderate physicochemical difference between lysine and asparagine. This variant is not present in population databases (ExAC no frequency). This variant has not been reported in the literature in individuals with DYSF-related conditions. Advanced modeling of protein sequence and biophysical properties (such as structural, functional, and spatial information, amino acid conservation, physicochemical variation, residue mobility, and thermodynamic stability) performed at Invitae indicates that this missense variant is not expected to disrupt DYSF protein function. In summary, the available evidence is currently insufficient to determine the role of this variant in disease. Therefore, it has been classified as a Variant of Uncertain Significance.

GeneDx
Classification: Uncertain significance. Last evaluated: 2019-12-31. Review status: criteria provided, single submitter. Criteria: GeneDx Variant Classification Process June 2021. Collection method: clinical testing. Allele origin: germline. Affected: yes.
Comment: Not observed in large population cohorts (Lek et al., 2016); In silico analysis, which includes protein predictors and evolutionary conservation, supports a deleterious effect; Has not been previously published as pathogenic or benign to our knowledge

Natera, Inc.
Classification: Uncertain significance for Limb-girdle muscular dystrophy type 2B. Last evaluated: 2025-01-02. Review status: no assertion criteria provided. Collection method: clinical testing. Allele origin: germline. Not counted in ClinVar's aggregate classification.